The following is an entry in ClinVar:

ClinVar aggregate classification (germline): Uncertain significance (1 of 4 stars; one submission).

gnomAD v4.1: 17 of 1,613,080 alleles (0.0011%); highest among the groups gnomAD compares: East Asian, 0.0022%; no homozygotes.

Submission:

Labcorp Genetics (formerly Invitae), Labcorp
Classification: Uncertain significance. Last evaluated: 2024-04-06. Review status: criteria provided, single submitter. Criteria: Invitae Variant Classification Sherloc (09022015). Collection method: clinical testing. Allele origin: germline.
Comment: This sequence change replaces glycine, which is neutral and non-polar, with arginine, which is basic and polar, at codon 660 of the MIPEP protein (p.Gly660Arg). The frequency data for this variant in the population databases is considered unreliable, as metrics indicate poor data quality at this position in the gnomAD database. This variant has not been reported in the literature in individuals affected with MIPEP-related conditions. Advanced modeling of protein sequence and biophysical properties (such as structural, functional, and spatial information, amino acid conservation, physicochemical variation, residue mobility, and thermodynamic stability) performed at Invitae indicates that this missense variant is expected to disrupt MIPEP protein function with a positive predictive value of 80%. In summary, the available evidence is currently insufficient to determine the role of this variant in disease. Therefore, it has been classified as a Variant of Uncertain Significance.

NM_005932.4(MIPEP):c.1978G>A (p.Gly660Arg)

Gene: MIPEP (mitochondrial intermediate peptidase; minus strand). Cytogenetic location: 13q12.12.
Variant type: single nucleotide variant.
Coding change: c.1978G>A on transcript NM_005932.4 (MANE Select); coding-DNA position 1978, G replaced by A.
Protein change: p.Gly660Arg; replaces glycine 660 with arginine.
Molecular consequence: missense variant.
Genome position (GRCh38, 1-based): chr13:23,756,611, C>T on the plus strand (G>A on the coding strand, the complement: MIPEP is on the minus strand). VCF-style: chr13-23756611-C-T. GRCh37 (hg19) VCF-style: chr13-24330750-C-T.
Other names: short protein forms G660R.
Identifiers: ClinVar variation 3699367 (VCV003699367.2).